The following is an entry in ClinVar:

NM_000135.4(FANCA):c.1161G>C (p.Gln387His)

Gene: FANCA (FA complementation group A; minus strand). Cytogenetic location: 16q24.3.
Variant type: single nucleotide variant.
Coding change: c.1161G>C on transcript NM_000135.4 (MANE Select); coding-DNA position 1161, G replaced by C.
Protein change: p.Gln387His; replaces glutamine 387 with histidine.
Molecular consequence: missense variant.
Genome position (GRCh38, 1-based): chr16:89,791,991, C>G on the plus strand (G>C on the coding strand, the complement: FANCA is on the minus strand). VCF-style: chr16-89791991-C-G. GRCh37 (hg19) VCF-style: chr16-89858399-C-G.
Other names: c.1161G>C, p.Gln387His (NM_001286167.3); short protein forms Q387H.
Identifiers: ClinVar variation 2896593 (VCV002896593.3), dbSNP rs767770641, ClinGen allele CA397466175.

ClinVar aggregate classification (germline): Uncertain significance (1 of 4 stars; one submission).

Conditions:
Fanconi anemia (FA). Also called: Fanconi's anemia. Identifiers: Orphanet 84, MedGen C0015625, MeSH D005199, MONDO:0019391.

Submission:

Labcorp Genetics (formerly Invitae), Labcorp
Classification: Uncertain significance for Fanconi anemia. Last evaluated: 2024-04-17. Review status: criteria provided, single submitter. Criteria: Invitae Variant Classification Sherloc (09022015). Collection method: clinical testing. Allele origin: germline.
Comment: This sequence change replaces glutamine, which is neutral and polar, with histidine, which is basic and polar, at codon 387 of the FANCA protein (p.Gln387His). This variant is not present in population databases (gnomAD no frequency). This variant has not been reported in the literature in individuals affected with FANCA-related conditions. Advanced modeling of protein sequence and biophysical properties (such as structural, functional, and spatial information, amino acid conservation, physicochemical variation, residue mobility, and thermodynamic stability) performed at Invitae indicates that this missense variant is not expected to disrupt FANCA protein function with a negative predictive value of 80%. In summary, the available evidence is currently insufficient to determine the role of this variant in disease. Therefore, it has been classified as a Variant of Uncertain Significance.